The following is an entry in ClinVar:

ClinVar aggregate classification (germline): Uncertain significance (1 of 4 stars; one submission).

Conditions:
Sulfite oxidase deficiency due to molybdenum cofactor deficiency type A. Also called: Molybdenum cofactor deficiency, complementation group A; Molybdenum Cofactor Deficiency A. Identifiers: Orphanet 308386, Orphanet 833, MedGen C1854988, MONDO:0009643, OMIM 252150.

Allele frequency attached by ClinVar (database versions not stated): 1000 Genomes Project 30x 0.00031; 1000 Genomes Project 0.00040.
gnomAD v4.1: 4 of 1,612,768 alleles (0.00025%); highest among the groups gnomAD compares: African/African-American, 0.0053%; no homozygotes.

Submission:

Labcorp Genetics (formerly Invitae), Labcorp
Classification: Uncertain significance for Sulfite oxidase deficiency due to molybdenum cofactor deficiency type A. Last evaluated: 2022-03-26. Review status: criteria provided, single submitter. Criteria: Invitae Variant Classification Sherloc (09022015). Collection method: clinical testing. Allele origin: germline.
Comment: This sequence change replaces isoleucine, which is neutral and non-polar, with leucine, which is neutral and non-polar, at codon 131 of the MOCS1 protein (p.Ile131Leu). This variant is present in population databases (rs528340821, gnomAD 0.01%). This variant has not been reported in the literature in individuals affected with MOCS1-related conditions. Algorithms developed to predict the effect of missense changes on protein structure and function are either unavailable or do not agree on the potential impact of this missense change (SIFT: "Not Available"; PolyPhen-2: "Benign"; Align-GVGD: "Not Available"). In summary, the available evidence is currently insufficient to determine the role of this variant in disease. Therefore, it has been classified as a Variant of Uncertain Significance.

NM_001358530.2(MOCS1):c.391A>C (p.Ile131Leu)

Gene: MOCS1 (molybdenum cofactor synthesis 1; minus strand). Cytogenetic location: 6p21.2.
Variant type: single nucleotide variant.
Coding change: c.391A>C on transcript NM_001358530.2 (MANE Select); coding-DNA position 391, A replaced by C.
Protein change: p.Ile131Leu; replaces isoleucine 131 with leucine.
Molecular consequence: missense variant. On other transcripts: non-coding transcript variant (1).
Genome position (GRCh38, 1-based): chr6:39,925,705, T>G on the plus strand (A>C on the coding strand, the complement: MOCS1 is on the minus strand). VCF-style: chr6-39925705-T-G. GRCh37 (hg19) VCF-style: chr6-39893449-T-G.
Other names: c.391A>C, p.Ile131Leu (NM_001075098.4, NM_001358529.2, NM_005943.6); c.130A>C, p.Ile44Leu (NM_001358531.2, NM_001358533.2, NM_001358534.2); short protein forms I131L, I44L.
Identifiers: ClinVar variation 1954299 (VCV001954299.2), dbSNP rs528340821, ClinGen allele CA3796319.
Genomic context (GRCh38, chr6:39,925,705, plus strand): 5'-GGGAGAAGTGGCGATGACTTTCGTCCAACTCACCCACAATGTCCACCACGTCCGGCCGGA[T>G]AAGCGGCTCTCCACCTGTGAGCCGGATCTTGTCGATGCCTTCCTTCACAAAGAGCCGGGC-3'
Protein context (NP_001345459.1, residues 121-141): KIRLTGGEPL[Ile131Leu]RPDVVDIVAQ